The following is an entry in ClinVar:

NM_018297.4(NGLY1):c.1660A>G (p.Lys554Glu)

Gene: NGLY1 (N-glycanase 1; minus strand). Cytogenetic location: 3p24.2.
Variant type: single nucleotide variant.
Coding change: c.1660A>G on transcript NM_018297.4 (MANE Select); coding-DNA position 1660, A replaced by G.
Protein change: p.Lys554Glu; replaces lysine 554 with glutamic acid.
Molecular consequence: missense variant. On other transcripts: intron variant (1).
Genome position (GRCh38, 1-based): chr3:25,720,143, T>C on the plus strand (A>G on the coding strand, the complement: NGLY1 is on the minus strand). VCF-style: chr3-25720143-T-C. GRCh37 (hg19) VCF-style: chr3-25761634-T-C.
Other names: c.1606A>G, p.Lys536Glu (NM_001145293.2); c.1534A>G, p.Lys512Glu (NM_001145294.2); c.1612-508A>G (NM_001145295.2); short protein forms K512E, K554E, K536E.
Identifiers: ClinVar variation 1465313 (VCV001465313.6), dbSNP rs2125443059, ClinGen allele CA351894310.

ClinVar aggregate classification (germline): Uncertain significance (1 of 4 stars; one submission).

Conditions:
Congenital disorder of deglycosylation (CDDG). Identifiers: MedGen C3808991, MONDO:0031376.

Submission:

Labcorp Genetics (formerly Invitae), Labcorp
Classification: Uncertain significance for Congenital disorder of deglycosylation. Last evaluated: 2022-06-20. Review status: criteria provided, single submitter. Criteria: Invitae Variant Classification Sherloc (09022015). Collection method: clinical testing. Allele origin: germline.
Comment: This variant is not present in population databases (gnomAD no frequency). This sequence change replaces lysine, which is basic and polar, with glutamic acid, which is acidic and polar, at codon 554 of the NGLY1 protein (p.Lys554Glu). In summary, the available evidence is currently insufficient to determine the role of this variant in disease. Therefore, it has been classified as a Variant of Uncertain Significance. Algorithms developed to predict the effect of missense changes on protein structure and function are either unavailable or do not agree on the potential impact of this missense change (SIFT: "Tolerated"; PolyPhen-2: "Probably Damaging"; Align-GVGD: "Class C0"). This variant has not been reported in the literature in individuals affected with NGLY1-related conditions.